The following is an entry in ClinVar:

NM_002860.4(ALDH18A1):c.1246+94T>G

Gene: ALDH18A1 (aldehyde dehydrogenase 18 family member A1; minus strand). Cytogenetic location: 10q24.1.
Variant type: single nucleotide variant.
Coding change: c.1246+94T>G on transcript NM_002860.4 (MANE Select); 94 bases into the intron after coding-DNA position 1246, T replaced by G.
Molecular consequence: intron variant.
Genome position (GRCh38, 1-based): chr10:95,625,268, A>C on the plus strand (T>G on the coding strand, the complement: ALDH18A1 is on the minus strand). VCF-style: chr10-95625268-A-C. GRCh37 (hg19) VCF-style: chr10-97385025-A-C.
Other names: c.610+94T>G (NM_001323419.2); c.913+94T>G (NM_001323412.2, NM_001323416.2); c.1141+94T>G (NM_001323417.2); c.1240+94T>G (NM_001017423.2, NM_001323415.2); c.907+94T>G (NM_001323418.2); c.1246+94T>G (NM_001323413.2, NM_001323414.2).
Identifiers: ClinVar variation 678710 (VCV000678710.2), dbSNP rs115728778, ClinGen allele CA211793332.

ClinVar aggregate classification (germline): Benign. Review status: criteria provided, multiple submitters, no conflicts (2 of 4 stars). 2 submissions from 2 submitters: Benign (2). Last evaluated 2018-06-19.

Allele frequency attached by ClinVar (database versions not stated): 1000 Genomes Project 0.01837; 1000 Genomes Project 30x 0.01889; TOPMed 0.03165; gnomAD 0.03362 and 0.03460; gnomAD exomes 0.04096.
gnomAD v4.1: 40,838 of 1,027,768 alleles (4%); highest among the groups gnomAD compares: Non-Finnish European, 4.9%; 1,006 homozygotes.

Submissions (2):

GeneDx
Classification: Benign. Last evaluated: 2018-06-19. Review status: criteria provided, single submitter. Criteria: GeneDx Variant Classification (06012015). Collection method: clinical testing. Allele origin: germline. Affected: yes.
Comment: This variant is considered likely benign or benign based on one or more of the following criteria: it is a conservative change, it occurs at a poorly conserved position in the protein, it is predicted to be benign by multiple in silico algorithms, and/or has population frequency not consistent with disease.

Breakthrough Genomics
Classification: Benign. Review status: criteria provided, single submitter. Criteria: ACMG Guidelines, 2015. Collection method: not provided. Allele origin: germline. Inheritance: Autosomal recessive inheritance. Affected: yes.